The following is an entry in ClinVar:

ClinVar aggregate classification (germline): Pathogenic. Review status: criteria provided, multiple submitters, no conflicts (2 of 4 stars). 2 submissions from 2 submitters: Pathogenic (2). Last evaluated 2025-09-10.

Conditions:
Cerebral cavernous malformation 2. Also called: Familial Cerebral Cavernous Malformation 2. Identifiers: Orphanet 221061, MedGen C1864041, MONDO:0011304, OMIM 603284.

Submissions (2):

Genomic Medicine Center of Excellence, King Faisal Specialist Hospital and Research Centre
Classification: Pathogenic for Cerebral cavernous malformation 2. Last evaluated: 2025-09-10. Review status: criteria provided, single submitter. Criteria: ACMG Guidelines, 2015. Collection method: clinical testing. Allele origin: germline.

Baylor Genetics
Classification: Pathogenic for Cerebral cavernous malformation 2. Last evaluated: 2019-10-25. Review status: criteria provided, single submitter. Criteria: ACMG Guidelines, 2015. Collection method: clinical testing. Allele origin: unknown. Affected: yes.
Comment: This variant was determined to be pathogenic according to ACMG Guidelines, 2015 [PMID:25741868].

NM_031443.4(CCM2):c.643C>T (p.Gln215Ter)

Gene: CCM2 (CCM2 scaffold protein; plus strand). Cytogenetic location: 7p13.
Variant type: single nucleotide variant.
Coding change: c.643C>T on transcript NM_031443.4 (MANE Select); coding-DNA position 643, C replaced by T.
Protein change: p.Gln215Ter; replaces glutamine 215 with a stop codon.
Molecular consequence: nonsense. On other transcripts: non-coding transcript variant (1), intron variant (1).
Genome position (GRCh38, 1-based): chr7:45,069,859, C>T. VCF-style: chr7-45069859-C-T. GRCh37 (hg19) VCF-style: chr7-45109458-C-T.
Other names: c.706C>T, p.Gln236Ter (NM_001029835.2); c.469C>T, p.Gln157Ter (NM_001167934.2, NM_001363459.2); c.643C>T, p.Gln215Ter (NM_001363458.2); c.473-2867C>T (NM_001167935.2); short protein forms Q157*, Q236*, Q215*.
Identifiers: ClinVar variation 1030944 (VCV001030944.2), dbSNP rs1798970889, ClinGen allele CA367430559.